The following is an entry in ClinVar:

ClinVar aggregate classification (germline): Uncertain significance (1 of 4 stars; one submission).

Allele frequency attached by ClinVar (database versions not stated): gnomAD exomes below 0.00001; ExAC 0.00001.
gnomAD v4.1: 2 of 1,614,118 alleles (0.00012%); highest among the groups gnomAD compares: Non-Finnish European, 0.00017%; no homozygotes.

Submission:

Labcorp Genetics (formerly Invitae), Labcorp
Classification: Uncertain significance. Last evaluated: 2022-01-01. Review status: criteria provided, single submitter. Criteria: Invitae Variant Classification Sherloc (09022015). Collection method: clinical testing. Allele origin: germline.
Comment: This sequence change replaces isoleucine, which is neutral and non-polar, with threonine, which is neutral and polar, at codon 1009 of the DSCAML1 protein (p.Ile1009Thr). In summary, the available evidence is currently insufficient to determine the role of this variant in disease. Therefore, it has been classified as a Variant of Uncertain Significance. Algorithms developed to predict the effect of missense changes on protein structure and function (SIFT, PolyPhen-2, Align-GVGD) all suggest that this variant is likely to be disruptive. This variant has not been reported in the literature in individuals affected with DSCAML1-related conditions. This variant is present in population databases (rs777133147, gnomAD 0.0009%).

NM_020693.4(DSCAML1):c.2846T>C (p.Ile949Thr)

Gene: DSCAML1 (DS cell adhesion molecule like 1; minus strand). Cytogenetic location: 11q23.3.
Variant type: single nucleotide variant.
Coding change: c.2846T>C on transcript NM_020693.4 (MANE Select); coding-DNA position 2846, T replaced by C.
Protein change: p.Ile949Thr; replaces isoleucine 949 with threonine.
Molecular consequence: missense variant.
Genome position (GRCh38, 1-based): chr11:117,471,976, A>G on the plus strand (T>C on the coding strand, the complement: DSCAML1 is on the minus strand). VCF-style: chr11-117471976-A-G. GRCh37 (hg19) VCF-style: chr11-117342691-A-G.
Other names: short protein forms I949T.
Identifiers: ClinVar variation 2069454 (VCV002069454.4), dbSNP rs777133147, ClinGen allele CA6296867.